The following is an entry in ClinVar:

ClinVar aggregate classification (germline): Conflicting classifications of pathogenicity. Review status: criteria provided, conflicting classifications (1 of 4 stars). 2 submissions from 2 submitters: Uncertain significance (1); Likely benign (1). Last evaluated 2025-03-26.

Conditions:
Inborn genetic diseases. Identifiers: MedGen C0950123, MeSH D030342.
Saldino-Mainzer syndrome (SRTD9). Also called: CONORENAL SYNDROME; SHORT-RIB THORACIC DYSPLASIA 9 WITHOUT POLYDACTYLY; short-rib thoracic dysplasia 9 with or without polydactyly; Renal dysplasia, retinal pigmentary dystrophy, cerebellar ataxia and skeletal dysplasia. Identifiers: Orphanet 140969, MedGen C1849437, MONDO:0009964, OMIM 266920.

Allele frequency attached by ClinVar (database versions not stated): gnomAD 0.00001; ExAC 0.00002; gnomAD exomes 0.00002; TOPMed 0.00002; 1000 Genomes Project 0.00020; ESP Exome Variant Server 0.00023; 1000 Genomes Project 30x 0.00031.
gnomAD v4.1: 21 of 1,601,676 alleles (0.0013%); highest among the groups gnomAD compares: African/African-American, 0.004%; no homozygotes.

Submissions (2):

Ambry Genetics
Classification: Likely benign for Inborn genetic diseases. Last evaluated: 2025-03-26. Review status: criteria provided, single submitter. Criteria: Ambry Variant Classification Scheme 2023. Collection method: clinical testing. Allele origin: germline.

Labcorp Genetics (formerly Invitae), Labcorp
Classification: Uncertain significance for Saldino-Mainzer syndrome. Last evaluated: 2022-09-27. Review status: criteria provided, single submitter. Criteria: Invitae Variant Classification Sherloc (09022015). Collection method: clinical testing. Allele origin: germline.
Comment: This sequence change replaces proline, which is neutral and non-polar, with leucine, which is neutral and non-polar, at codon 670 of the IFT140 protein (p.Pro670Leu). This variant is present in population databases (rs149845330, gnomAD 0.007%). This variant has not been reported in the literature in individuals affected with IFT140-related conditions. ClinVar contains an entry for this variant (Variation ID: 968079). Advanced modeling of protein sequence and biophysical properties (such as structural, functional, and spatial information, amino acid conservation, physicochemical variation, residue mobility, and thermodynamic stability) performed at Invitae indicates that this missense variant is not expected to disrupt IFT140 protein function. In summary, the available evidence is currently insufficient to determine the role of this variant in disease. Therefore, it has been classified as a Variant of Uncertain Significance.

NM_014714.4(IFT140):c.2009C>T (p.Pro670Leu)

Gene: IFT140 (intraflagellar transport 140; minus strand). Cytogenetic location: 16p13.3.
Variant type: single nucleotide variant.
Coding change: c.2009C>T on transcript NM_014714.4 (MANE Select); coding-DNA position 2009, C replaced by T.
Protein change: p.Pro670Leu; replaces proline 670 with leucine.
Molecular consequence: missense variant.
Genome position (GRCh38, 1-based): chr16:1,564,055, G>A on the plus strand (C>T on the coding strand, the complement: IFT140 is on the minus strand). VCF-style: chr16-1564055-G-A. GRCh37 (hg19) VCF-style: chr16-1614056-G-A.
Other names: short protein forms P670L.
Identifiers: ClinVar variation 968079 (VCV000968079.8), dbSNP rs149845330, ClinGen allele CA7814049.
Genomic context (GRCh38, chr16:1,564,055, plus strand): 5'-ACCGCAGGGCCAGCGCGCCCATCTTGGGGCTGCCCGTTTGCAGACTGAGGCTGGGAGCGC[G>A]GCGTCTCCTGCACGGCTTCGCATACAAACAGCCGGGGCTCACTCTGGTCCCAGAAGTGGT-3'
Protein context (NP_055529.2, residues 660-680): LFVCEAVQET[Pro670Leu]RSQPQSANGQ